The following is an entry in ClinVar:

NM_019066.5(MAGEL2):c.365C>T (p.Pro122Leu)

Gene: MAGEL2 (MAGE family member L2; minus strand). Cytogenetic location: 15q11.2.
Variant type: single nucleotide variant.
Coding change: c.365C>T on transcript NM_019066.5 (MANE Select); coding-DNA position 365, C replaced by T.
Protein change: p.Pro122Leu; replaces proline 122 with leucine.
Molecular consequence: missense variant.
Genome position (GRCh38, 1-based): chr15:23,647,378, G>A on the plus strand (C>T on the coding strand, the complement: MAGEL2 is on the minus strand). VCF-style: chr15-23647378-G-A. GRCh37 (hg19) VCF-style: chr15-23892525-G-A.
Other names: short protein forms P122L.
Identifiers: ClinVar variation 1311755 (VCV001311755.5), dbSNP rs1890442133, ClinGen allele CA391337368.

ClinVar aggregate classification (germline): Uncertain significance. Review status: criteria provided, multiple submitters, no conflicts (2 of 4 stars). 2 submissions from 2 submitters: Uncertain significance (2). Last evaluated 2024-02-10.

Allele frequency attached by ClinVar (database versions not stated): TOPMed below 0.00001; gnomAD exomes 0.00001.
gnomAD v4.1: 10 of 1,536,932 alleles (0.00065%); highest among the groups gnomAD compares: Non-Finnish European, 0.00087%; no homozygotes.

Submissions (2):

Labcorp Genetics (formerly Invitae), Labcorp
Classification: Uncertain significance. Last evaluated: 2024-02-10. Review status: criteria provided, single submitter. Criteria: Invitae Variant Classification Sherloc (09022015). Collection method: clinical testing. Allele origin: germline.
Comment: This sequence change replaces proline, which is neutral and non-polar, with leucine, which is neutral and non-polar, at codon 122 of the MAGEL2 protein (p.Pro122Leu). This variant is not present in population databases (gnomAD no frequency). This variant has not been reported in the literature in individuals affected with MAGEL2-related conditions. ClinVar contains an entry for this variant (Variation ID: 1311755). Experimental studies and prediction algorithms are not available or were not evaluated, and the functional significance of this variant is currently unknown. In summary, the available evidence is currently insufficient to determine the role of this variant in disease. Therefore, it has been classified as a Variant of Uncertain Significance.

GeneDx
Classification: Uncertain significance. Last evaluated: 2019-09-12. Review status: criteria provided, single submitter. Criteria: GeneDx Variant Classification Process June 2021. Collection method: clinical testing. Allele origin: germline. Affected: yes.
Comment: Not observed in large population cohorts (Lek et al., 2016); In silico analysis, which includes protein predictors and evolutionary conservation, supports that this variant does not alter protein structure/function; Has not been previously published as pathogenic or benign to our knowledge